The following is an entry in ClinVar:

ClinVar aggregate classification (germline): Conflicting classifications of pathogenicity. Review status: criteria provided, conflicting classifications (1 of 4 stars). 2 submissions from 2 submitters: Likely pathogenic (1); Uncertain significance (1). Last evaluated 2025-12-30.

Conditions:
Glycogen storage disease, type II (IOPD). Also called: Glucosidase acid-1,4-alpha deficiency; Glycogen storage disease type 2; Acid maltase deficiency disease; Aglucosidase alfa; Deficiency of alpha-glucosidase; Deficiency of lysosomal alpha-glucosidase. Identifiers: Orphanet 365, MedGen C0017921, MONDO:0009290, OMIM 232300.

Submissions (2):

Myriad Genetics, Inc.
Classification: Uncertain significance for Glycogen storage disease, type II. Last evaluated: 2025-12-30. Review status: criteria provided, single submitter. Criteria: Myriad Autosomal Dominant, Autosomal Recessive and X-Linked Classification Criteria (2023). Collection method: clinical testing. Allele origin: unknown.
Comment: NM_000152.3(GAA):c.1222A>C(M408L) is a missense variant classified as a variant of uncertain significance in the context of Pompe disease. M408L has not been observed in cases with relevant disease. Relevant functional assessments of this variant are not available in the literature. M408L has not been observed in referenced population frequency databases. In summary, there is insufficient evidence to classify NM_000152.3(GAA):c.1222A>C(M408L) as pathogenic or benign. Please note: this variant was assessed in the context of healthy population screening.

Labcorp Genetics (formerly Invitae), Labcorp
Classification: Likely pathogenic for Glycogen storage disease, type II. Last evaluated: 2025-03-18. Review status: criteria provided, single submitter. Criteria: Invitae Variant Classification Sherloc (09022015). Collection method: clinical testing. Allele origin: germline.
Comment: This sequence change replaces methionine, which is neutral and non-polar, with leucine, which is neutral and non-polar, at codon 408 of the GAA protein (p.Met408Leu). This variant is not present in population databases (gnomAD no frequency). This variant has not been reported in the literature in individuals affected with GAA-related conditions. Invitae Evidence Modeling of protein sequence and biophysical properties (such as structural, functional, and spatial information, amino acid conservation, physicochemical variation, residue mobility, and thermodynamic stability) indicates that this missense variant is expected to disrupt GAA protein function with a positive predictive value of 95%. This variant disrupts the p.Met408 amino acid residue in GAA. Other variant(s) that disrupt this residue have been determined to be pathogenic (PMID: 11738358, 19862843, 21687968). This suggests that this residue is clinically significant, and that variants that disrupt this residue are likely to be disease-causing. In summary, the currently available evidence indicates that the variant is pathogenic, but additional data are needed to prove that conclusively. Therefore, this variant has been classified as Likely Pathogenic.

Literature cited by the submitters: PubMed 11738358 (cited by Labcorp Genetics (formerly Invitae), Labcorp); PubMed 19862843 (cited by Labcorp Genetics (formerly Invitae), Labcorp); PubMed 21687968 (cited by Labcorp Genetics (formerly Invitae), Labcorp).

NM_000152.5(GAA):c.1222A>C (p.Met408Leu)

Gene: GAA (alpha glucosidase; plus strand). Cytogenetic location: 17q25.3.
Variant type: single nucleotide variant.
Coding change: c.1222A>C on transcript NM_000152.5 (MANE Select); coding-DNA position 1222, A replaced by C.
Protein change: p.Met408Leu; replaces methionine 408 with leucine.
Molecular consequence: missense variant.
Genome position (GRCh38, 1-based): chr17:80,108,724, A>C. VCF-style: chr17-80108724-A-C. GRCh37 (hg19) VCF-style: chr17-78082523-A-C.
Other names: c.1222A>C, p.Met408Leu (NM_001079803.3, NM_001079804.3, NM_001406741.1 and 1 more transcripts); short protein forms M408L.
Identifiers: ClinVar variation 3627795 (VCV003627795.3).